The following is an entry in ClinVar:

ClinVar aggregate classification (germline): Conflicting classifications of pathogenicity. Review status: criteria provided, conflicting classifications (1 of 4 stars). 5 submissions from 5 submitters: Uncertain significance (4); Likely benign (1). Last evaluated 2026-08-19.

Conditions:
Hereditary cancer-predisposing syndrome. Also called: Neoplastic Syndromes, Hereditary; Hereditary neoplastic syndrome; Hereditary Cancer Syndrome; Tumor predisposition. Identifiers: Orphanet 140162, MedGen C0027672, MeSH D009386, MONDO:0015356.
Tuberous sclerosis 2 (TSC2). Identifiers: Orphanet 805, MedGen C1860707, MONDO:0013199, OMIM 613254.
Tuberous sclerosis syndrome (TSC). Also called: Tuberous Sclerosis Complex; Tuberous sclerosis. Identifiers: Orphanet 805, MedGen C0041341, MONDO:0001734.

Allele frequency attached by ClinVar (database versions not stated): gnomAD exomes below 0.00001 and 0.00001; gnomAD 0.00001.

Submissions (5):

Ambry Genetics
Classification: Uncertain significance for Hereditary cancer-predisposing syndrome. Last evaluated: 2026-08-19. Review status: criteria provided, single submitter. Criteria: Ambry Variant Classification Scheme 2023. Collection method: clinical testing. Allele origin: germline.
Comment: The p.R799C variant (also known as c.2395C>T), located in coding exon 21 of the TSC2 gene, results from a C to T substitution at nucleotide position 2395. The arginine at codon 799 is replaced by cysteine, an amino acid with highly dissimilar properties. This amino acid position is highly conserved in available vertebrate species. In addition, this alteration is predicted to be deleterious by in silico analysis. Based on the available evidence, the clinical significance of this variant remains unclear.

Labcorp Genetics (formerly Invitae), Labcorp
Classification: Likely benign for Tuberous sclerosis 2. Last evaluated: 2025-10-14. Review status: criteria provided, single submitter. Criteria: Invitae Variant Classification Sherloc (09022015). Collection method: clinical testing. Allele origin: germline.

All of Us Research Program, National Institutes of Health
Classification: Uncertain significance for Tuberous sclerosis syndrome. Last evaluated: 2024-04-16. Review status: criteria provided, single submitter. Criteria: ACMG Guidelines, 2015. Collection method: clinical testing. Allele origin: germline. Inheritance: Autosomal dominant inheritance. Observed: 2 variant alleles, 2 heterozygotes.
Comment: This missense variant replaces arginine with cysteine at codon 799 of the TSC2 protein. Computational prediction suggests that this variant may have deleterious impact on protein structure and function. To our knowledge, functional studies have not been reported for this variant. This variant has not been reported in individuals affected with TSC2-related disorders in the literature. This variant has been identified in 1/249920 chromosomes in the general population by the Genome Aggregation Database (gnomAD). The available evidence is insufficient to determine the role of this variant in disease conclusively. Therefore, this variant is classified as a Variant of Uncertain Significance.

This study involves interpretation of variants in research participants for the purpose of population health screening. Participant phenotype was not available at the time of variant classification. Additional details can be found in publication PMID: 35346344, PMCID: PMC8962531

GeneDx
Classification: Uncertain significance. Last evaluated: 2022-01-20. Review status: criteria provided, single submitter. Criteria: GeneDx Variant Classification Process June 2021. Collection method: clinical testing. Allele origin: germline. Affected: yes.
Comment: In silico analysis supports that this missense variant has a deleterious effect on protein structure/function; Has not been previously published as pathogenic or benign to our knowledge

Genome-Nilou Lab
Classification: Uncertain significance for Tuberous sclerosis 2. Last evaluated: 2021-11-07. Review status: criteria provided, single submitter. Criteria: ACMG Guidelines, 2015. Collection method: clinical testing. Allele origin: germline. Affected: no.

NM_000548.5(TSC2):c.2395C>T (p.Arg799Cys)

Gene: TSC2 (TSC complex subunit 2; plus strand). Cytogenetic location: 16p13.3.
Variant type: single nucleotide variant.
Coding change: c.2395C>T on transcript NM_000548.5 (MANE Select); coding-DNA position 2395, C replaced by T.
Protein change: p.Arg799Cys; replaces arginine 799 with cysteine.
Molecular consequence: missense variant.
Genome position (GRCh38, 1-based): chr16:2,074,239, C>T. VCF-style: chr16-2074239-C-T. GRCh37 (hg19) VCF-style: chr16-2124240-C-T.
Other names: c.2428C>T, p.Arg810Cys (NM_001318832.2); c.2395C>T, p.Arg799Cys (NM_001363528.2, NM_001370404.1, NM_001370405.1 and 3 more transcripts); c.2284C>T, p.Arg762Cys (NM_001318827.2); c.2248C>T, p.Arg750Cys (NM_001318829.2); c.1795C>T, p.Arg599Cys (NM_001318831.2); short protein forms R799C, R599C, R810C, R750C, R762C.
Identifiers: ClinVar variation 467940 (VCV000467940.22), dbSNP rs1366556255, ClinGen allele CA394277095.